The following is an entry in ClinVar:

ClinVar aggregate classification (germline): Uncertain significance (1 of 4 stars; one submission).

Conditions:
Hereditary cancer-predisposing syndrome. Also called: Hereditary Cancer Syndrome; Hereditary neoplastic syndrome; Neoplastic Syndromes, Hereditary; Tumor predisposition. Identifiers: Orphanet 140162, MedGen C0027672, MeSH D009386, MONDO:0015356.

Submission:

Ambry Genetics
Classification: Uncertain significance for Hereditary cancer-predisposing syndrome. Last evaluated: 2022-05-06. Review status: criteria provided, single submitter. Criteria: Ambry Variant Classification Scheme 2023. Collection method: clinical testing. Allele origin: germline.
Comment: The p.F513L variant (also known as c.1537T>C), located in coding exon 10 of the MSH3 gene, results from a T to C substitution at nucleotide position 1537. The phenylalanine at codon 513 is replaced by leucine, an amino acid with highly similar properties. This amino acid position is conserved. In addition, the in silico prediction for this alteration is inconclusive. Since supporting evidence is limited at this time, the clinical significance of this alteration remains unclear.

NM_002439.5(MSH3):c.1537T>C (p.Phe513Leu)

Gene: MSH3 (mutS homolog 3; plus strand). Cytogenetic location: 5q14.1.
Variant type: single nucleotide variant.
Coding change: c.1537T>C on transcript NM_002439.5 (MANE Select); coding-DNA position 1537, T replaced by C.
Protein change: p.Phe513Leu; replaces phenylalanine 513 with leucine.
Molecular consequence: missense variant.
Genome position (GRCh38, 1-based): chr5:80,728,934, T>C. VCF-style: chr5-80728934-T-C. GRCh37 (hg19) VCF-style: chr5-80024753-T-C.
Other names: short protein forms F513L.
Identifiers: ClinVar variation 1774747 (VCV001774747.2), dbSNP rs2546754688, ClinGen allele CA360274318.